The following is an entry in ClinVar:

NM_012469.4(PRPF6):c.1682C>T (p.Ala561Val)

Gene: PRPF6 (pre-mRNA processing factor 6; plus strand). Cytogenetic location: 20q13.33.
Variant type: single nucleotide variant.
Coding change: c.1682C>T on transcript NM_012469.4 (MANE Select); coding-DNA position 1682, C replaced by T.
Protein change: p.Ala561Val; replaces alanine 561 with valine.
Molecular consequence: missense variant.
Genome position (GRCh38, 1-based): chr20:64,022,791, C>T. VCF-style: chr20-64022791-C-T. GRCh37 (hg19) VCF-style: chr20-62654144-C-T.
Other names: short protein forms A561V.
Identifiers: ClinVar variation 2748352 (VCV002748352.3), dbSNP rs2517646518, ClinGen allele CA409733055.
Genomic context (GRCh38, chr20:64,022,791, plus strand): 5'-CATTCTCATGTCTCTCTCTGCTCTAGTGTGTAGCCCACAATGCCCTGGAGTGTGCACGAG[C>T]CATCTACGCCTACGCCCTGCAGGTGTTCCCCAGCAAGAAGAGTGTGTGGCTGCGCGCCGC-3'
Protein context (NP_036601.2, residues 551-571): VAHNALECAR[Ala561Val]IYAYALQVFP

ClinVar aggregate classification (germline): Uncertain significance (1 of 4 stars; one submission).

Submission:

Labcorp Genetics (formerly Invitae), Labcorp
Classification: Uncertain significance. Last evaluated: 2023-07-29. Review status: criteria provided, single submitter. Criteria: Invitae Variant Classification Sherloc (09022015). Collection method: clinical testing. Allele origin: germline.
Comment: This variant has not been reported in the literature in individuals affected with PRPF6-related conditions. In summary, the available evidence is currently insufficient to determine the role of this variant in disease. Therefore, it has been classified as a Variant of Uncertain Significance. Advanced modeling of protein sequence and biophysical properties (such as structural, functional, and spatial information, amino acid conservation, physicochemical variation, residue mobility, and thermodynamic stability) performed at Invitae indicates that this missense variant is expected to disrupt PRPF6 protein function. This variant is not present in population databases (gnomAD no frequency). This sequence change replaces alanine, which is neutral and non-polar, with valine, which is neutral and non-polar, at codon 561 of the PRPF6 protein (p.Ala561Val).